The following is an entry in ClinVar:

ClinVar aggregate classification (germline): Conflicting classifications of pathogenicity. Review status: criteria provided, conflicting classifications (1 of 4 stars). 2 submissions from 2 submitters: Uncertain significance (1); Likely benign (1). Last evaluated 2024-02-22.

Conditions:
Arrhythmogenic cardiomyopathy with wooly hair and keratoderma. Also called: Dilated cardiomyopathy with woolly hair and keratoderma; Carvajal syndrome; PALMOPLANTAR KERATODERMA WITH LEFT VENTRICULAR CARDIOMYOPATHY AND WOOLLY HAIR; Arrhythmogenic cardiomyopathy with woolly hair and keratoderma. Identifiers: Orphanet 65282, MedGen C1854063, MONDO:0011581, OMIM 605676.
Arrhythmogenic right ventricular dysplasia 8 (ARVD8). Also called: Arrhythmogenic Right Ventricular Dysplasia/Cardiomyopathy 8; ARRHYTHMOGENIC RIGHT VENTRICULAR DYSPLASIA, FAMILIAL, 8; ARRHYTHMOGENIC RIGHT VENTRICULAR CARDIOMYOPATHY 8. Identifiers: MedGen C1843896, MONDO:0011831, OMIM 607450.

Allele frequency attached by ClinVar (database versions not stated): gnomAD exomes below 0.00001.
gnomAD v4.1: 2 of 1,613,338 alleles (0.00012%); highest among the groups gnomAD compares: Admixed American, 0.0033%; no homozygotes.

Submissions (2):

All of Us Research Program, National Institutes of Health
Classification: Uncertain significance for Arrhythmogenic cardiomyopathy with wooly hair and keratoderma. Last evaluated: 2024-02-22. Review status: criteria provided, single submitter. Criteria: ACMG Guidelines, 2015. Collection method: clinical testing. Allele origin: germline. Inheritance: Autosomal dominant inheritance. Observed: 1 variant allele, 1 heterozygote.
Comment: This missense variant replaces aspartic acid with glycine at codon 1742 of the DSP protein. Computational prediction suggests that this variant may not impact protein structure and function (internally defined REVEL score threshold <= 0.5, PMID: 27666373). To our knowledge, functional studies have not been reported for this variant. This variant has not been reported in individuals affected with DSP-related disorders in the literature. This variant has been identified in 2/251034 chromosomes in the general population by the Genome Aggregation Database (gnomAD). The available evidence is insufficient to determine the role of this variant in disease conclusively. Therefore, this variant is classified as a Variant of Uncertain Significance.

This study involves interpretation of variants in research participants for the purpose of population health screening. Participant phenotype was not available at the time of variant classification. Additional details can be found in publication PMID: 35346344, PMCID: PMC8962531

Labcorp Genetics (formerly Invitae), Labcorp
Classification: Likely benign for Arrhythmogenic cardiomyopathy with wooly hair and keratoderma; Arrhythmogenic right ventricular dysplasia 8. Last evaluated: 2022-05-17. Review status: criteria provided, single submitter. Criteria: Invitae Variant Classification Sherloc (09022015). Collection method: clinical testing. Allele origin: germline.

NM_004415.4(DSP):c.5225A>G (p.Asp1742Gly)

Gene: DSP (desmoplakin; plus strand). Cytogenetic location: 6p24.3.
Variant type: single nucleotide variant.
Coding change: c.5225A>G on transcript NM_004415.4 (MANE Select); coding-DNA position 5225, A replaced by G.
Protein change: p.Asp1742Gly; replaces aspartic acid 1742 with glycine.
Molecular consequence: missense variant. On other transcripts: intron variant (2).
Genome position (GRCh38, 1-based): chr6:7,581,415, A>G. VCF-style: chr6-7581415-A-G. GRCh37 (hg19) VCF-style: chr6-7581648-A-G.
Other names: c.4050+1175A>G (NM_001319034.2); c.3583-1227A>G (NM_001008844.3); short protein forms D1742G.
Identifiers: ClinVar variation 2158162 (VCV002158162.5), dbSNP rs1243531372, ClinGen allele CA362688123.
Genomic context (GRCh38, chr6:7,581,415, plus strand): 5'-AAGAACTGCGGAACCTGAGGCTGGAGTACGATGACCTGAGGAGAGGACGAAGCGAAGCGG[A>G]CAGTGATAAAAATGCAACCATCTTGGAACTAAGGAGCCAGCTGCAGATCAGCAACAACCG-3'
Protein context (NP_004406.2, residues 1732-1752): DDLRRGRSEA[Asp1742Gly]SDKNATILEL